The following is an entry in ClinVar:

NM_054027.6(ANKH):c.*4182T>G

Genes: ANKH (ANKH inorganic pyrophosphate transport regulator; minus strand), OTULIN (OTU deubiquitinase with linear linkage specificity; plus strand). Cytogenetic location: 5p15.2.
Variant type: single nucleotide variant.
Coding change: c.*4182T>G on transcript NM_054027.6 (MANE Select); 4182 bases downstream of the stop codon, T replaced by G.
Molecular consequence: 3 prime UTR variant.
Genome position (GRCh38, 1-based): chr5:14,707,015, A>C on the plus strand (T>G on the coding strand, the complement: ANKH is on the minus strand). VCF-style: chr5-14707015-A-C. GRCh37 (hg19) VCF-style: chr5-14707124-A-C.
Identifiers: ClinVar variation 351419 (VCV000351419.5), dbSNP rs13358074, ClinGen allele CA10622989.

ClinVar aggregate classification (germline): Benign. Review status: criteria provided, single submitter (1 of 4 stars). 2 submissions from 1 submitter: Benign (2). Last evaluated 2018-01-13.

Conditions:
Craniometaphyseal dysplasia, autosomal dominant (CMDD). Identifiers: Orphanet 1522, MedGen C1852502, MONDO:0007397, OMIM 123000.
Chondrocalcinosis 2. Also called: CALCIUM GOUT; CALCIUM PYROPHOSPHATE ARTHROPATHY; Familial calcium pyrophosphate deposition. Identifiers: Orphanet 1416, MedGen C0856830, MONDO:0007319, OMIM 118600.

Allele frequency attached by ClinVar (database versions not stated): 1000 Genomes Project 30x 0.01733; 1000 Genomes Project 0.01777; gnomAD 0.01873 and 0.02029; TOPMed 0.02175.

Submissions (2):

Illumina Laboratory Services, Illumina
Classification: Benign for Craniometaphyseal dysplasia, autosomal dominant. Last evaluated: 2018-01-13. Review status: criteria provided, single submitter. Criteria: ICSL Variant Classification Criteria 13 December 2019. Collection method: clinical testing. Allele origin: germline.
Comment: This variant was observed in the ICSL laboratory as part of a predisposition screen in an ostensibly healthy population. It had not been previously curated by ICSL or reported in the Human Gene Mutation Database (HGMD: prior to June 1st, 2018), and was therefore a candidate for classification through an automated scoring system. Utilizing variant allele frequency, disease prevalence and penetrance estimates, and inheritance mode, an automated score was calculated to assess if this variant is too frequent to cause the disease. Based on the score and internal cut-off values, a variant classified as benign is not then subjected to further curation. The score for this variant resulted in a classification of benign for this disease.

Illumina Laboratory Services, Illumina
Classification: Benign for Chondrocalcinosis 2. Last evaluated: 2018-01-13. Review status: criteria provided, single submitter. Criteria: ICSL Variant Classification Criteria 13 December 2019. Collection method: clinical testing. Allele origin: germline.
Comment: the same text as in the submission from Illumina Laboratory Services, Illumina above.